The following is an entry in ClinVar:

ClinVar aggregate classification (germline): Uncertain significance. Review status: criteria provided, multiple submitters, no conflicts (2 of 4 stars). 2 submissions from 2 submitters: Uncertain significance (2). Last evaluated 2025-03-27.

Conditions:
Epileptic encephalopathy. Identifiers: MedGen C0543888, HP:0200134.

Allele frequency attached by ClinVar (database versions not stated): ExAC 0.00001; gnomAD 0.00003; TOPMed 0.00005.
gnomAD v4.1: 30 of 1,612,598 alleles (0.0019%); highest among the groups gnomAD compares: Non-Finnish European, 0.0024%; no homozygotes.

Submissions (2):

Ambry Genetics
Classification: Uncertain significance. Last evaluated: 2025-03-27. Review status: criteria provided, single submitter. Criteria: Ambry Variant Classification Scheme 2023. Collection method: clinical testing. Allele origin: germline.

Labcorp Genetics (formerly Invitae), Labcorp
Classification: Uncertain significance for Epileptic encephalopathy. Last evaluated: 2023-10-10. Review status: criteria provided, single submitter. Criteria: Invitae Variant Classification Sherloc (09022015). Collection method: clinical testing. Allele origin: germline.
Comment: This sequence change replaces isoleucine, which is neutral and non-polar, with valine, which is neutral and non-polar, at codon 1849 of the FASN protein (p.Ile1849Val). This variant is present in population databases (rs770338422, gnomAD 0.003%). This variant has not been reported in the literature in individuals affected with FASN-related conditions. Algorithms developed to predict the effect of missense changes on protein structure and function output the following: SIFT: "Not Available"; PolyPhen-2: "Benign"; Align-GVGD: "Not Available". The valine amino acid residue is found in multiple mammalian species, which suggests that this missense change does not adversely affect protein function. In summary, the available evidence is currently insufficient to determine the role of this variant in disease. Therefore, it has been classified as a Variant of Uncertain Significance.

NM_004104.5(FASN):c.5545A>G (p.Ile1849Val)

Gene: FASN (fatty acid synthase; minus strand). Cytogenetic location: 17q25.3.
Variant type: single nucleotide variant.
Coding change: c.5545A>G on transcript NM_004104.5 (MANE Select); coding-DNA position 5545, A replaced by G.
Protein change: p.Ile1849Val; replaces isoleucine 1849 with valine.
Molecular consequence: missense variant.
Genome position (GRCh38, 1-based): chr17:82,083,222, T>C on the plus strand (A>G on the coding strand, the complement: FASN is on the minus strand). VCF-style: chr17-82083222-T-C. GRCh37 (hg19) VCF-style: chr17-80041098-T-C.
Other names: c.5545A>G (NM_004104.4); short protein forms I1849V.
Identifiers: ClinVar variation 2741383 (VCV002741383.4), dbSNP rs770338422, ClinGen allele CA8851658.